The following is an entry in ClinVar:

ClinVar aggregate classification (germline): Uncertain significance (1 of 4 stars; one submission).

Conditions:
Leigh syndrome (NULS). Also called: Leigh's necrotizing encephalopathy; Leigh's disease; Leigh's syndrome; LEIGH SYNDROME, NUCLEAR; Leigh Syndrome (mtDNA deletion); Leigh Disease. Identifiers: Orphanet 506, MedGen C2931891, MONDO:0009723, OMIM 256000.

Submission:

Wong Mito Lab, Molecular and Human Genetics, Baylor College of Medicine
Classification: Uncertain significance for Leigh syndrome. Last evaluated: 2019-10-17. Review status: criteria provided, single submitter. Criteria: Modified ACMG Guidelines (Unpublished). Collection method: clinical testing. Allele origin: germline.
Comment: The NC_012920.1:m.14231T>C (YP_003024037.1:p.Tyr148Cys) variant in MTND6 gene is interpretated to be a Uncertain Significance variant based on the modified ACMG guidelines (unpublished). This variant meets the following evidence codes: PP7, BS4

NC_012920.1(MT-ND6):m.14231T>C

Gene: MT-ND6 (mitochondrially encoded NADH dehydrogenase 6; minus strand).
Variant type: single nucleotide variant.
Genome position: chrM-14231-T-C.
Identifiers: ClinVar variation 693695 (VCV000693695.1), dbSNP rs1603224615, ClinGen allele CA414821513.